The following is an entry in ClinVar:

NM_014991.6(WDFY3):c.8515A>G (p.Asn2839Asp)

Gene: WDFY3 (WD repeat and FYVE domain containing 3; minus strand). Cytogenetic location: 4q21.23.
Variant type: single nucleotide variant.
Coding change: c.8515A>G on transcript NM_014991.6 (MANE Select); coding-DNA position 8515, A replaced by G.
Protein change: p.Asn2839Asp; replaces asparagine 2839 with aspartic acid.
Molecular consequence: missense variant.
Genome position (GRCh38, 1-based): chr4:84,702,434, T>C on the plus strand (A>G on the coding strand, the complement: WDFY3 is on the minus strand). VCF-style: chr4-84702434-T-C. GRCh37 (hg19) VCF-style: chr4-85623587-T-C.
Other names: short protein forms N2839D.
Identifiers: ClinVar variation 5018203 (VCV005018203.1).

ClinVar aggregate classification (germline): Uncertain significance (1 of 4 stars; one submission).

Submission:

GeneDx
Classification: Uncertain significance. Last evaluated: 2026-04-06. Review status: criteria provided, single submitter. Criteria: GeneDx Variant Classification Process June 2021. Collection method: clinical testing. Allele origin: germline.
Comment: Not observed at significant frequency in large population cohorts (gnomAD); In silico analysis supports that this missense variant has a deleterious effect on protein structure/function; Has not been previously published as pathogenic or benign to our knowledge